The following is an entry in ClinVar:

ClinVar aggregate classification (germline): Uncertain significance (1 of 4 stars; one submission).

Allele frequency attached by ClinVar (database versions not stated): ESP Exome Variant Server 0.00008.
gnomAD v4.1: 7 of 1,613,954 alleles (0.00043%); highest among the groups gnomAD compares: South Asian, 0.0077%; no homozygotes.

Submission:

Labcorp Genetics (formerly Invitae), Labcorp
Classification: Uncertain significance. Last evaluated: 2022-07-11. Review status: criteria provided, single submitter. Criteria: Invitae Variant Classification Sherloc (09022015). Collection method: clinical testing. Allele origin: germline.
Comment: In summary, the available evidence is currently insufficient to determine the role of this variant in disease. Therefore, it has been classified as a Variant of Uncertain Significance. Algorithms developed to predict the effect of missense changes on protein structure and function (SIFT, PolyPhen-2, Align-GVGD) all suggest that this variant is likely to be disruptive. ClinVar contains an entry for this variant (Variation ID: 1480657). This variant has not been reported in the literature in individuals affected with LAMB1-related conditions. This variant is present in population databases (rs151296677, gnomAD 0.007%). This sequence change replaces threonine, which is neutral and polar, with isoleucine, which is neutral and non-polar, at codon 646 of the LAMB1 protein (p.Thr646Ile).

NM_002291.3(LAMB1):c.1937C>T (p.Thr646Ile)

Gene: LAMB1 (laminin subunit beta 1; minus strand). Cytogenetic location: 7q31.1.
Variant type: single nucleotide variant.
Coding change: c.1937C>T on transcript NM_002291.3 (MANE Select); coding-DNA position 1937, C replaced by T.
Protein change: p.Thr646Ile; replaces threonine 646 with isoleucine.
Molecular consequence: missense variant.
Genome position (GRCh38, 1-based): chr7:107,961,597, G>A on the plus strand (C>T on the coding strand, the complement: LAMB1 is on the minus strand). VCF-style: chr7-107961597-G-A. GRCh37 (hg19) VCF-style: chr7-107602042-G-A.
Other names: short protein forms T646I.
Identifiers: ClinVar variation 1480657 (VCV001480657.6), dbSNP rs151296677, ClinGen allele CA4435822.